The following is an entry in ClinVar:

ClinVar aggregate classification (germline): Uncertain significance. Review status: criteria provided, multiple submitters, no conflicts (2 of 4 stars). 2 submissions from 2 submitters: Uncertain significance (2). Last evaluated 2023-02-16.

Conditions:
Inborn genetic diseases. Identifiers: MedGen C0950123, MeSH D030342.

Allele frequency attached by ClinVar (database versions not stated): ExAC 0.00002; gnomAD 0.00002; TOPMed 0.00003; gnomAD exomes 0.00007.
gnomAD v4.1: 101 of 1,606,814 alleles (0.0063%); highest among the groups gnomAD compares: Non-Finnish European, 0.0083%; no homozygotes.

Submissions (2):

Ambry Genetics
Classification: Uncertain significance for Inborn genetic diseases. Last evaluated: 2023-02-16. Review status: criteria provided, single submitter. Criteria: Ambry Variant Classification Scheme 2023. Collection method: clinical testing. Allele origin: germline.

Labcorp Genetics (formerly Invitae), Labcorp
Classification: Uncertain significance. Last evaluated: 2022-01-03. Review status: criteria provided, single submitter. Criteria: Invitae Variant Classification Sherloc (09022015). Collection method: clinical testing. Allele origin: germline.
Comment: This sequence change replaces arginine, which is basic and polar, with histidine, which is basic and polar, at codon 1937 of the SPEG protein (p.Arg1937His). This variant is present in population databases (rs760860906, gnomAD 0.007%). This variant has not been reported in the literature in individuals affected with SPEG-related conditions. Algorithms developed to predict the effect of missense changes on protein structure and function are either unavailable or do not agree on the potential impact of this missense change (SIFT: "Deleterious"; PolyPhen-2: "Probably Damaging"; Align-GVGD: "Class C0"). In summary, the available evidence is currently insufficient to determine the role of this variant in disease. Therefore, it has been classified as a Variant of Uncertain Significance.

NM_005876.5(SPEG):c.5810G>A (p.Arg1937His)

Genes: ASIC4-AS1 (ASIC4 antisense RNA 1; minus strand), SPEG (striated muscle enriched protein kinase; plus strand). Cytogenetic location: 2q35.
Variant type: single nucleotide variant.
Coding change: c.5810G>A on transcript NM_005876.5 (MANE Select); coding-DNA position 5810, G replaced by A.
Protein change: p.Arg1937His; replaces arginine 1937 with histidine.
Molecular consequence: missense variant.
Genome position (GRCh38, 1-based): chr2:219,483,273, G>A. VCF-style: chr2-219483273-G-A. GRCh37 (hg19) VCF-style: chr2-220347995-G-A.
Other names: c.5810G>A (NM_005876.4); short protein forms R1937H.
Identifiers: ClinVar variation 1940830 (VCV001940830.4), dbSNP rs760860906, ClinGen allele CA2126953.
Genomic context (GRCh38, chr2:219,483,273, plus strand): 5'-GGCTCTCATCCTCCTCGGATTCTGAAGAGGAAGAGCTGGAAGAGCTGCCCTCAGTGCCCC[G>A]CCCACTGCAGCCCGAGTTCTCTGGCTCCCGGGTGTCCCTCACAGACATTCCCACTGAGGA-3'
Protein context (NP_005867.3, residues 1927-1947): EELEELPSVP[Arg1937His]PLQPEFSGSR